The following is an entry in ClinVar:

ClinVar aggregate classification (germline): Uncertain significance (1 of 4 stars; one submission).

Conditions:
Cardiovascular phenotype. Identifiers: MedGen CN230736.

Submission:

Ambry Genetics
Classification: Uncertain significance for Cardiovascular phenotype. Last evaluated: 2022-07-06. Review status: criteria provided, single submitter. Criteria: Ambry Variant Classification Scheme 2023. Collection method: clinical testing. Allele origin: germline.
Comment: The p.V1073I variant (also known as c.3217G>A), located in coding exon 17 of the SCN10A gene, results from a G to A substitution at nucleotide position 3217. The valine at codon 1073 is replaced by isoleucine, an amino acid with highly similar properties. This amino acid position is conserved. In addition, this alteration is predicted to be tolerated by in silico analysis. Since supporting evidence is limited at this time, the clinical significance of this alteration remains unclear.

NM_006514.4(SCN10A):c.3217G>A (p.Val1073Ile)

Genes: SCN10A (sodium voltage-gated channel alpha subunit 10; minus strand), LOC110121288 (VISTA enhancer hs2268; plus strand). Cytogenetic location: 3p22.2.
Variant type: single nucleotide variant.
Coding change: c.3217G>A on transcript NM_006514.4 (MANE Select); coding-DNA position 3217, G replaced by A.
Protein change: p.Val1073Ile; replaces valine 1073 with isoleucine.
Molecular consequence: missense variant.
Genome position (GRCh38, 1-based): chr3:38,725,185, C>T on the plus strand (G>A on the coding strand, the complement: SCN10A is on the minus strand). VCF-style: chr3-38725185-C-T. GRCh37 (hg19) VCF-style: chr3-38766676-C-T.
Other names: c.3214G>A, p.Val1072Ile (NM_001293306.2); c.2923G>A, p.Val975Ile (NM_001293307.2); short protein forms V1072I, V1073I, V975I.
Identifiers: ClinVar variation 3225645 (VCV003225645.1), dbSNP rs1171483410, ClinGen allele CA352156595.